The following is an entry in ClinVar:

NM_000283.4(PDE6B):c.1832+16C>T

Gene: PDE6B (phosphodiesterase 6B; plus strand). Cytogenetic location: 4p16.3.
Variant type: single nucleotide variant.
Coding change: c.1832+16C>T on transcript NM_000283.4 (MANE Select); 16 bases into the intron after coding-DNA position 1832, C replaced by T.
Molecular consequence: intron variant.
Genome position (GRCh38, 1-based): chr4:662,634, C>T. VCF-style: chr4-662634-C-T. GRCh37 (hg19) VCF-style: chr4-656423-C-T.
Other names: c.1832+16C>T (NM_001145291.2); c.995+16C>T (NM_001379246.1, NM_001379247.1, NM_001145292.2 and 1 more transcripts); c.677+16C>T (NM_001350155.3).
Identifiers: ClinVar variation 1060803 (VCV001060803.9), dbSNP rs1454338239, ClinGen allele CA549263218.

ClinVar aggregate classification (germline): Uncertain significance (1 of 4 stars; one submission).

Allele frequency attached by ClinVar (database versions not stated): gnomAD exomes 0.00001 and 0.00002; gnomAD 0.00002; TOPMed 0.00002.
gnomAD v4.1: 12 of 1,479,812 alleles (0.00081%); highest among the groups gnomAD compares: African/African-American, 0.0055%; no homozygotes.

Submission:

Labcorp Genetics (formerly Invitae), Labcorp
Classification: Uncertain significance. Last evaluated: 2024-04-15. Review status: criteria provided, single submitter. Criteria: Invitae Variant Classification Sherloc (09022015). Collection method: clinical testing. Allele origin: germline.
Comment: This sequence change falls in intron 14 of the PDE6B gene. It does not directly change the encoded amino acid sequence of the PDE6B protein. This variant is present in population databases (no rsID available, gnomAD 0.005%). This variant has not been reported in the literature in individuals affected with PDE6B-related conditions. ClinVar contains an entry for this variant (Variation ID: 1060803). Algorithms developed to predict the effect of sequence changes on RNA splicing suggest that this variant may create or strengthen a splice site. In summary, the available evidence is currently insufficient to determine the role of this variant in disease. Therefore, it has been classified as a Variant of Uncertain Significance.